The following is an entry in ClinVar:

NM_000275.3(OCA2):c.1016C>A (p.Ala339Glu)

Gene: OCA2 (OCA2 melanosomal transmembrane protein; minus strand). Cytogenetic location: 15q13.1.
Variant type: single nucleotide variant.
Coding change: c.1016C>A on transcript NM_000275.3 (MANE Select); coding-DNA position 1016, C replaced by A.
Protein change: p.Ala339Glu; replaces alanine 339 with glutamic acid.
Molecular consequence: missense variant.
Genome position (GRCh38, 1-based): chr15:28,014,804, G>T on the plus strand (C>A on the coding strand, the complement: OCA2 is on the minus strand). VCF-style: chr15-28014804-G-T. GRCh37 (hg19) VCF-style: chr15-28259950-G-T.
Other names: c.1016C>A, p.Ala339Glu (NM_001300984.2); short protein forms A339E.
Identifiers: ClinVar variation 1346444 (VCV001346444.7), dbSNP rs747940330, ClinGen allele CA391364866.

ClinVar aggregate classification (germline): Conflicting classifications of pathogenicity. Review status: criteria provided, conflicting classifications (1 of 4 stars). 2 submissions from 2 submitters: Likely pathogenic (1); Uncertain significance (1). Last evaluated 2025-11-11.

gnomAD v4.1: 22 of 1,613,942 alleles (0.0014%); highest among the groups gnomAD compares: Non-Finnish European, 0.0019%; no homozygotes.

Submissions (2):

Labcorp Genetics (formerly Invitae), Labcorp
Classification: Likely pathogenic. Last evaluated: 2025-11-11. Review status: criteria provided, single submitter. Criteria: Invitae Variant Classification Sherloc (09022015). Collection method: clinical testing. Allele origin: germline.
Comment: This sequence change replaces alanine, which is neutral and non-polar, with glutamic acid, which is acidic and polar, at codon 339 of the OCA2 protein (p.Ala339Glu). This variant is present in population databases (no rsID available, gnomAD 0.003%). This missense change has been observed in individual(s) with oculocutaneous albinism (internal data). In at least one individual the data is consistent with being in trans (on the opposite chromosome) from a pathogenic variant. ClinVar contains an entry for this variant (Variation ID: 1346444). Invitae Evidence Modeling of protein sequence and biophysical properties (such as structural, functional, and spatial information, amino acid conservation, physicochemical variation, residue mobility, and thermodynamic stability) indicates that this missense variant is not expected to disrupt OCA2 protein function with a negative predictive value of 80%. In summary, the currently available evidence indicates that the variant is pathogenic, but additional data are needed to prove that conclusively. Therefore, this variant has been classified as Likely Pathogenic.

Blueprint Genetics
Classification: Uncertain significance. Last evaluated: 2023-08-04. Review status: criteria provided, single submitter. Criteria: ACMG Guidelines, 2015. Collection method: clinical testing. Allele origin: germline.